The following is an entry in ClinVar:

ClinVar aggregate classification (germline): Uncertain significance (1 of 4 stars; one submission).

Conditions:
Peutz-Jeghers syndrome (PJS). Also called: POLYPOSIS, HAMARTOMATOUS INTESTINAL; POLYPS-AND-SPOTS SYNDROME; Peutz-Jeghers polyposis; Periorificial lentiginosis syndrome. Identifiers: Orphanet 2869, MedGen C0031269, MeSH D010580, MONDO:0008280, OMIM 175200.

Submission:

Labcorp Genetics (formerly Invitae), Labcorp
Classification: Uncertain significance for Peutz-Jeghers syndrome. Last evaluated: 2022-09-18. Review status: criteria provided, single submitter. Criteria: Invitae Variant Classification Sherloc (09022015). Collection method: clinical testing. Allele origin: germline.
Comment: This variant, c.131_136del, results in the deletion of 2 amino acid(s) of the STK11 protein (p.Lys44_Leu45del), but otherwise preserves the integrity of the reading frame. This variant is not present in population databases (gnomAD no frequency). This variant has not been reported in the literature in individuals affected with STK11-related conditions. Experimental studies and prediction algorithms are not available or were not evaluated, and the functional significance of this variant is currently unknown. In summary, the available evidence is currently insufficient to determine the role of this variant in disease. Therefore, it has been classified as a Variant of Uncertain Significance.

NM_000455.5(STK11):c.131_136del (p.Lys44_Leu45del)

Gene: STK11 (serine/threonine kinase 11; plus strand). Cytogenetic location: 19p13.3.
Variant type: Deletion.
Coding change: c.131_136del on transcript NM_000455.5 (MANE Select); coding-DNA positions 131 to 136, 6 bases deleted (AGCTCA; older notation c.131_136delAGCTCA).
Protein change: p.Lys44_Leu45del.
Molecular consequence: inframe deletion. On other transcripts: inframe indel (1).
Genome position (GRCh38, 1-based): chr19:1,207,044-1,207,049, AGCTCA deleted; deleting any 6 consecutive bases within chr19:1,207,042-1,207,049 gives the same sequence; the c. name uses the placement nearest the transcript's 3' end. VCF-style (leftmost placement, unchanged base first): chr19-1207041-CCAAGCT-C. GRCh37 (hg19) VCF-style: chr19-1207040-CCAAGCT-C.
Other names: c.131_136delAGCTCA, p.Lys44_Leu45del (NM_001407255.1).
Identifiers: ClinVar variation 2031134 (VCV002031134.4), dbSNP rs2512921053, ClinGen allele CA2580096038.